The following is an entry in ClinVar:

NM_145059.3(FCSK):c.235-1G>A

Gene: FCSK (fucose kinase; plus strand). Cytogenetic location: 16q22.1.
Variant type: single nucleotide variant.
Coding change: c.235-1G>A on transcript NM_145059.3 (MANE Select); the canonical splice acceptor site of the intron before coding-DNA position 235, G replaced by A.
Molecular consequence: splice acceptor variant.
Genome position (GRCh38, 1-based): chr16:70,465,125, G>A. VCF-style: chr16-70465125-G-A. GRCh37 (hg19) VCF-style: chr16-70499028-G-A.
Identifiers: ClinVar variation 1682344 (VCV001682344.6), dbSNP rs1230076239, ClinGen allele CA396560533.
Genomic context (GRCh38, chr16:70,465,125, plus strand): 5'-GTGCCATCCTCCAGGGCGTCTGCCTGAGGCCTCTGTTCACAGGGCTTTCCCACTCCTGCA[G>A]GTGGTCACATCCGATGTCCTGCACTCGGCCTGGATCCTCATTCTGCACATGGTAAATGAA-3'

ClinVar aggregate classification (germline): Uncertain significance (1 of 4 stars; one submission).

Allele frequency attached by ClinVar (database versions not stated): gnomAD exomes below 0.00001.

Submission:

Labcorp Genetics (formerly Invitae), Labcorp
Classification: Uncertain significance. Last evaluated: 2025-10-06. Review status: criteria provided, single submitter. Criteria: Invitae Variant Classification Sherloc (09022015). Collection method: clinical testing. Allele origin: germline.
Comment: This sequence change affects an acceptor splice site in intron 3 of the FUK gene. It is expected to disrupt RNA splicing. Variants that disrupt the donor or acceptor splice site typically lead to a loss of protein function (PMID: 16199547), however the current clinical and genetic evidence is not sufficient to establish whether loss-of-function variants in FUK cause disease. This variant is present in population databases (no rsID available, gnomAD 0.0009%). This variant has not been reported in the literature in individuals affected with FUK-related conditions. ClinVar contains an entry for this variant (Variation ID: 1682344). Algorithms developed to predict the effect of sequence changes on RNA splicing suggest that this variant may disrupt the consensus splice site. In summary, the available evidence is currently insufficient to determine the role of this variant in disease. Therefore, it has been classified as a Variant of Uncertain Significance.

Literature cited by the submitters: PubMed 16199547.